The following is an entry in ClinVar:

ClinVar aggregate classification (germline): Uncertain significance (1 of 4 stars; one submission).

Conditions:
Ataxia-telangiectasia-like disorder (ATLD). Identifiers: MedGen C1858391, MONDO:0011457.

Submission:

Labcorp Genetics (formerly Invitae), Labcorp
Classification: Uncertain significance for Ataxia-telangiectasia-like disorder. Last evaluated: 2019-09-23. Review status: criteria provided, single submitter. Criteria: Invitae Variant Classification Sherloc (09022015). Collection method: clinical testing. Allele origin: germline.
Comment: In summary, the available evidence is currently insufficient to determine the role of this variant in disease. Therefore, it has been classified as a Variant of Uncertain Significance. Algorithms developed to predict the effect of sequence changes on RNA splicing suggest that this variant may create or strengthen a splice site, but this prediction has not been confirmed by published transcriptional studies. Algorithms developed to predict the effect of missense changes on protein structure and function output the following: SIFT: "Tolerated"; PolyPhen-2: "Benign"; Align-GVGD: "Class C0". The arginine amino acid residue is found in multiple mammalian species, suggesting that this missense change does not adversely affect protein function. These predictions have not been confirmed by published functional studies and their clinical significance is uncertain. This variant has not been reported in the literature in individuals with MRE11-related conditions. This variant is not present in population databases (ExAC no frequency). This sequence change replaces lysine with arginine at codon 420 of the MRE11 protein (p.Lys420Arg). The lysine residue is moderately conserved and there is a small physicochemical difference between lysine and arginine.

NM_005591.4(MRE11):c.1259A>G (p.Lys420Arg)

Gene: MRE11 (MRE11 double strand break repair nuclease; minus strand). Cytogenetic location: 11q21.
Variant type: single nucleotide variant.
Coding change: c.1259A>G on transcript NM_005591.4 (MANE Select); coding-DNA position 1259, A replaced by G.
Protein change: p.Lys420Arg; replaces lysine 420 with arginine.
Molecular consequence: missense variant.
Genome position (GRCh38, 1-based): chr11:94,461,003, T>C on the plus strand (A>G on the coding strand, the complement: MRE11 is on the minus strand). VCF-style: chr11-94461003-T-C. GRCh37 (hg19) VCF-style: chr11-94194169-T-C.
Other names: c.1259A>G, p.Lys420Arg (NM_001330347.2, NM_005590.4); short protein forms K420R.
Identifiers: ClinVar variation 957379 (VCV000957379.9), dbSNP rs201153937, ClinGen allele CA382372410.